The following is an entry in ClinVar:

NM_007294.4(BRCA1):c.3760A>T (p.Lys1254Ter)

Genes: BRCA1 (BRCA1 DNA repair associated; minus strand), LOC126862571 (BRD4-independent group 4 enhancer GRCh37_chr17:41243136-41244335; plus strand). Cytogenetic location: 17q21.31.
Variant type: single nucleotide variant.
Coding change: c.3760A>T on transcript NM_007294.4 (MANE Select); coding-DNA position 3760, A replaced by T.
Protein change: p.Lys1254Ter; replaces lysine 1254 with a stop codon.
Molecular consequence: nonsense. On other transcripts: intron variant (135).
Genome position (GRCh38, 1-based): chr17:43,091,771, T>A on the plus strand (A>T on the coding strand, the complement: BRCA1 is on the minus strand). VCF-style: chr17-43091771-T-A. GRCh37 (hg19) VCF-style: chr17-41243788-T-A.
Other names: c.3637A>T, p.Lys1213Ter (NM_001407678.1, NM_001407679.1, NM_001407680.1 and 19 more transcripts); c.3760A>T, p.Lys1254Ter (NM_001407684.1, NM_001407581.1, NM_001407582.1 and 30 more transcripts); c.3634A>T, p.Lys1212Ter (NM_001407685.1, NM_001407686.1, NM_001407687.1 and 11 more transcripts); c.3619A>T, p.Lys1207Ter (NM_001407692.1, NM_001407694.1, NM_001407695.1 and 29 more transcripts); c.3547A>T, p.Lys1183Ter (NM_001407571.1, NM_001407853.1, NM_001407894.1 and 9 more transcripts); c.3757A>T, p.Lys1253Ter (NM_001407587.1, NM_001407590.1, NM_001407591.1 and 22 more transcripts); c.3751A>T, p.Lys1251Ter (NM_001407646.1, NM_001407647.1); c.3682A>T, p.Lys1228Ter (NM_001407653.1, NM_001407654.1, NM_001407655.1 and 4 more transcripts); and 41 more; short protein forms K1183*, K1227*, K386*, K958*, K1142*, K1166*, K1184*, K1187*.
Identifiers: ClinVar variation 2884071 (VCV002884071.4), dbSNP rs80357362, ClinGen allele CA10594455.

ClinVar aggregate classification (germline): Pathogenic. Review status: criteria provided, multiple submitters, no conflicts (2 of 4 stars). 2 submissions from 2 submitters: Pathogenic (2). Last evaluated 2024-05-07.

Conditions:
Hereditary cancer-predisposing syndrome. Also called: Hereditary Cancer Syndrome; Hereditary neoplastic syndrome; Tumor predisposition; Neoplastic Syndromes, Hereditary. Identifiers: Orphanet 140162, MedGen C0027672, MeSH D009386, MONDO:0015356.
Hereditary breast ovarian cancer syndrome. Also called: BRCA1- and BRCA2-Associated Hereditary Breast and Ovarian Cancer; Hereditary breast and ovarian cancer syndrome; Breast and ovarian cancer; Hereditary breast and ovarian cancer; Hereditary breast and ovarian cancer syndrome (HBOC); Hereditary breast and/or ovarian cancer syndrome. Identifiers: Orphanet 145, MedGen C0677776, MeSH D061325, MONDO:0003582. Disease mechanism: loss of function.

Submissions (2):

Labcorp Genetics (formerly Invitae), Labcorp
Classification: Pathogenic for Hereditary breast ovarian cancer syndrome. Last evaluated: 2024-05-07. Review status: criteria provided, single submitter. Criteria: Invitae Variant Classification Sherloc (09022015). Collection method: clinical testing. Allele origin: germline.
Comment: This sequence change creates a premature translational stop signal (p.Lys1254*) in the BRCA1 gene. It is expected to result in an absent or disrupted protein product. Loss-of-function variants in BRCA1 are known to be pathogenic (PMID: 20104584). This variant is not present in population databases (gnomAD no frequency). This premature translational stop signal has been observed in individual(s) with breast and/or ovarian cancer (PMID: 31825140). For these reasons, this variant has been classified as Pathogenic.

Ambry Genetics
Classification: Pathogenic for Hereditary cancer-predisposing syndrome. Last evaluated: 2024-01-17. Review status: criteria provided, single submitter. Criteria: Ambry Variant Classification Scheme 2023. Collection method: clinical testing. Allele origin: germline.
Comment: The p.K1254* pathogenic mutation (also known as c.3760A>T), located in coding exon 9 of the BRCA1 gene, results from an A to T substitution at nucleotide position 3760. This changes the amino acid from a lysine to a stop codon within coding exon 9. This alteration is expected to result in loss of function by premature protein truncation or nonsense-mediated mRNA decay. As such, this alteration is interpreted as a disease-causing mutation.

Literature cited by the submitters: PubMed 20104584 (cited by Labcorp Genetics (formerly Invitae), Labcorp); PubMed 31825140 (cited by Labcorp Genetics (formerly Invitae), Labcorp).